The following is an entry in ClinVar:

ClinVar aggregate classification (germline): Pathogenic (1 of 4 stars; one submission).

Allele frequency attached by ClinVar (database versions not stated): gnomAD 0.00001; ExAC 0.00003; gnomAD exomes 0.00001.

Submission:

Labcorp Genetics (formerly Invitae), Labcorp
Classification: Pathogenic. Last evaluated: 2025-11-10. Review status: criteria provided, single submitter. Criteria: Invitae Variant Classification Sherloc (09022015). Collection method: clinical testing. Allele origin: germline.
Comment: This sequence change creates a premature translational stop signal (p.Thr871Leufs*13) in the AARS2 gene. It is expected to result in an absent or disrupted protein product. Loss-of-function variants in AARS2 are known to be pathogenic (PMID: 24808023, 30285085, 30819764). The frequency data for this variant in the population databases is considered unreliable, as metrics indicate poor data quality at this position in the gnomAD database. This variant has not been reported in the literature in individuals affected with AARS2-related conditions. ClinVar contains an entry for this variant (Variation ID: 2124832). For these reasons, this variant has been classified as Pathogenic.

Literature cited by the submitters: PubMed 24808023; PubMed 30285085; PubMed 30819764.

NM_020745.4(AARS2):c.2607del (p.Thr871fs)

Gene: AARS2 (alanyl-tRNA synthetase 2, mitochondrial; minus strand). Cytogenetic location: 6p21.1.
Variant type: Deletion.
Coding change: c.2607del on transcript NM_020745.4 (MANE Select); coding-DNA position 2607, one base deleted (G; older notation c.2607delG).
Protein change: p.Thr871fs; shifts the reading frame from threonine 871.
Molecular consequence: frameshift variant.
Genome position (GRCh38, 1-based): chr6:44,301,456, C deleted on the plus strand (G on the coding strand, the reverse complement: AARS2 is on the minus strand). VCF-style (leftmost placement, unchanged base first): chr6-44301455-TC-T. GRCh37 (hg19) VCF-style: chr6-44269192-TC-T.
Other names: short protein forms T871fs.
Identifiers: ClinVar variation 2124832 (VCV002124832.4), dbSNP rs771808127, ClinGen allele CA3833903.